The following is an entry in ClinVar:

ClinVar aggregate classification (germline): Uncertain significance (1 of 4 stars; one submission).

Conditions:
Agammaglobulinemia 6, autosomal recessive (AGM6). Also called: AGAMMAGLOBULINEMIA, AUTOSOMAL RECESSIVE, DUE TO CD79B DEFECT; AGAMMAGLOBULINEMIA 6. Identifiers: MedGen C3150207, MONDO:0012987, OMIM 612692.

Allele frequency attached by ClinVar (database versions not stated): gnomAD exomes below 0.00001.

Submission:

Labcorp Genetics (formerly Invitae), Labcorp
Classification: Uncertain significance for Agammaglobulinemia 6, autosomal recessive. Last evaluated: 2022-06-13. Review status: criteria provided, single submitter. Criteria: Invitae Variant Classification Sherloc (09022015). Collection method: clinical testing. Allele origin: germline.
Comment: This variant is not present in population databases (gnomAD no frequency). This sequence change replaces serine, which is neutral and polar, with glycine, which is neutral and non-polar, at codon 69 of the CD79B protein (p.Ser69Gly). This variant has not been reported in the literature in individuals affected with CD79B-related conditions. In summary, the available evidence is currently insufficient to determine the role of this variant in disease. Therefore, it has been classified as a Variant of Uncertain Significance. Algorithms developed to predict the effect of missense changes on protein structure and function output the following: SIFT: "Not Available"; PolyPhen-2: "Benign"; Align-GVGD: "Not Available". The glycine amino acid residue is found in multiple mammalian species, which suggests that this missense change does not adversely affect protein function.

NM_000626.4(CD79B):c.205A>G (p.Ser69Gly)

Genes: CD79B (CD79b molecule; minus strand), GH-LCR (growth hormone locus control region; plus strand). Cytogenetic location: 17q23.3.
Variant type: single nucleotide variant.
Coding change: c.205A>G on transcript NM_000626.4 (MANE Select); coding-DNA position 205, A replaced by G.
Protein change: p.Ser69Gly; replaces serine 69 with glycine.
Molecular consequence: missense variant. On other transcripts: intron variant (2).
Genome position (GRCh38, 1-based): chr17:63,930,299, T>C on the plus strand (A>G on the coding strand, the complement: CD79B is on the minus strand). VCF-style: chr17-63930299-T-C. GRCh37 (hg19) VCF-style: chr17-62007659-T-C.
Other names: c.208A>G, p.Ser70Gly (NM_001039933.3); c.119-411A>G (NM_021602.4); c.122-411A>G (NM_001329050.2); short protein forms S69G, S70G.
Identifiers: ClinVar variation 1471750 (VCV001471750.6), dbSNP rs2144758191, ClinGen allele CA400604996.